The following is an entry in ClinVar:

NM_000059.4(BRCA2):c.982A>C (p.Thr328Pro)

Gene: BRCA2 (BRCA2 DNA repair associated; plus strand). Cytogenetic location: 13q13.1.
Variant type: single nucleotide variant.
Coding change: c.982A>C on transcript NM_000059.4 (MANE Select); coding-DNA position 982, A replaced by C.
Protein change: p.Thr328Pro; replaces threonine 328 with proline.
Molecular consequence: missense variant. On other transcripts: non-coding transcript variant (1), intron variant (1).
Genome position (GRCh38, 1-based): chr13:32,332,460, A>C. VCF-style: chr13-32332460-A-C. GRCh37 (hg19) VCF-style: chr13-32906597-A-C.
Other names: c.982A>C, p.Thr328Pro (NM_001406719.1, NM_001406720.1, NM_001406721.1 and 1 more transcripts); c.424+1430A>C (NM_001406722.1); short protein forms T328P.
Identifiers: ClinVar variation 4802269 (VCV004802269.1).

ClinVar aggregate classification (germline): Uncertain significance (1 of 4 stars; one submission).

Conditions:
Hereditary breast ovarian cancer syndrome. Also called: Hereditary breast and ovarian cancer syndrome (HBOC); Hereditary breast and ovarian cancer; Breast and ovarian cancer; Hereditary breast and/or ovarian cancer syndrome; BRCA1- and BRCA2-Associated Hereditary Breast and Ovarian Cancer; Hereditary breast and ovarian cancer syndrome. Identifiers: Orphanet 145, MedGen C0677776, MeSH D061325, MONDO:0003582. Disease mechanism: loss of function.

Submission:

Labcorp Genetics (formerly Invitae), Labcorp
Classification: Uncertain significance for Hereditary breast ovarian cancer syndrome. Last evaluated: 2025-10-30. Review status: criteria provided, single submitter. Criteria: Invitae Variant Classification Sherloc (09022015). Collection method: clinical testing. Allele origin: germline.
Comment: This sequence change replaces threonine, which is neutral and polar, with proline, which is neutral and non-polar, at codon 328 of the BRCA2 protein (p.Thr328Pro). This variant is not present in population databases (gnomAD no frequency). This variant has not been reported in the literature in individuals affected with BRCA2-related conditions. Invitae Evidence Modeling of protein sequence and biophysical properties (such as structural, functional, and spatial information, amino acid conservation, physicochemical variation, residue mobility, and thermodynamic stability) indicates that this missense variant is not expected to disrupt BRCA2 protein function with a negative predictive value of 95%. In summary, the available evidence is currently insufficient to determine the role of this variant in disease. Therefore, it has been classified as a Variant of Uncertain Significance.